The following is an entry in ClinVar:

NM_001372179.1(PABPC1L):c.539A>C (p.Glu180Ala)

Gene: PABPC1L (poly(A) binding protein cytoplasmic 1 like; plus strand). Cytogenetic location: 20q13.12.
Variant type: single nucleotide variant.
Coding change: c.539A>C on transcript NM_001372179.1 (MANE Select); coding-DNA position 539, A replaced by C.
Protein change: p.Glu180Ala; replaces glutamic acid 180 with alanine.
Molecular consequence: missense variant. On other transcripts: non-coding transcript variant (2).
Genome position (GRCh38, 1-based): chr20:44,918,941, A>C. VCF-style: chr20-44918941-A-C. GRCh37 (hg19) VCF-style: chr20-43547582-A-C.
Other names: short protein forms E180A.
Identifiers: ClinVar variation 4533513 (VCV004533513.6).

ClinVar aggregate classification (germline): Likely benign (1 of 4 stars; one submission).

gnomAD v4.1: 3,642 of 1,609,698 alleles (0.23%); highest among the groups gnomAD compares: Non-Finnish European, 0.22%; 13 homozygotes.

Submission:

CeGaT Center for Human Genetics Tuebingen
Classification: Likely benign. Last evaluated: 2025-11-01. Review status: criteria provided, single submitter. Criteria: CeGaT Center For Human Genetics Tuebingen Variant Classification Criteria Version 2. Collection method: clinical testing. Allele origin: germline. Affected: yes. Observed: 1 variant allele.
Comment: PABPC1L: BP4, BS2